The following is an entry in ClinVar:

ClinVar aggregate classification (germline): Uncertain significance (1 of 4 stars; one submission).

Conditions:
Familial episodic pain syndrome with predominantly lower limb involvement. Also called: Episodic pain syndrome, familial, 3. Identifiers: Orphanet 391384, Orphanet 391392, MedGen C3809899, MONDO:0014247, OMIM 615552.
Hereditary sensory and autonomic neuropathy type 7. Also called: HSAN VII; Neuropathy, hereditary sensory and autonomic, type VII. Identifiers: Orphanet 391397, MedGen C3809882, MONDO:0014244, OMIM 615548.

Submission:

Labcorp Genetics (formerly Invitae), Labcorp
Classification: Uncertain significance for Familial episodic pain syndrome with predominantly lower limb involvement; Hereditary sensory and autonomic neuropathy type 7. Last evaluated: 2023-08-30. Review status: criteria provided, single submitter. Criteria: Invitae Variant Classification Sherloc (09022015). Collection method: clinical testing. Allele origin: germline.
Comment: In summary, the available evidence is currently insufficient to determine the role of this variant in disease. Therefore, it has been classified as a Variant of Uncertain Significance. Advanced modeling of protein sequence and biophysical properties (such as structural, functional, and spatial information, amino acid conservation, physicochemical variation, residue mobility, and thermodynamic stability) has been performed at Invitae for this missense variant, however the output from this modeling did not meet the statistical confidence thresholds required to predict the impact of this variant on SCN11A protein function. ClinVar contains an entry for this variant (Variation ID: 1392224). This variant has not been reported in the literature in individuals affected with SCN11A-related conditions. This variant is not present in population databases (gnomAD no frequency). This sequence change replaces lysine, which is basic and polar, with asparagine, which is neutral and polar, at codon 1346 of the SCN11A protein (p.Lys1346Asn).

NM_001349253.2(SCN11A):c.4038A>T (p.Lys1346Asn)

Gene: SCN11A (sodium voltage-gated channel alpha subunit 11; minus strand). Cytogenetic location: 3p22.2.
Variant type: single nucleotide variant.
Coding change: c.4038A>T on transcript NM_001349253.2 (MANE Select); coding-DNA position 4038, A replaced by T.
Protein change: p.Lys1346Asn; replaces lysine 1346 with asparagine.
Molecular consequence: missense variant.
Genome position (GRCh38, 1-based): chr3:38,863,213, T>A on the plus strand (A>T on the coding strand, the complement: SCN11A is on the minus strand). VCF-style: chr3-38863213-T-A. GRCh37 (hg19) VCF-style: chr3-38904704-T-A.
Other names: c.4038A>T, p.Lys1346Asn (NM_014139.3); short protein forms K1346N.
Identifiers: ClinVar variation 1392224 (VCV001392224.6), dbSNP rs2126089224, ClinGen allele CA352167419.